The following is an entry in ClinVar:

ClinVar aggregate classification (germline): Uncertain significance (1 of 4 stars; one submission).

Conditions:
Spondyloenchondrodysplasia with immune dysregulation (SPENCDI). Also called: ROIFMAN IMMUNOSKELETAL SYNDROME; COMBINED IMMUNODEFICIENCY WITH AUTOIMMUNITY AND SPONDYLOMETAPHYSEAL DYSPLASIA; SPONDYLOENCHONDRODYSPLASIA WITH OR WITHOUT IMMUNE DYSREGULATION. Identifiers: Orphanet 1855, MedGen C1842763, MONDO:0011939, OMIM 607944.

Submission:

Labcorp Genetics (formerly Invitae), Labcorp
Classification: Uncertain significance for Spondyloenchondrodysplasia with immune dysregulation. Last evaluated: 2022-07-05. Review status: criteria provided, single submitter. Criteria: Invitae Variant Classification Sherloc (09022015). Collection method: clinical testing. Allele origin: germline.
Comment: In summary, the available evidence is currently insufficient to determine the role of this variant in disease. Therefore, it has been classified as a Variant of Uncertain Significance. This sequence change replaces arginine with glycine at codon 322 of the ACP5 protein (p.Arg322Gly). The arginine residue is highly conserved and there is a moderate physicochemical difference between arginine and glycine. This variant is not present in population databases (gnomAD no frequency). This variant has not been reported in the literature in individuals affected with ACP5-related conditions. ClinVar contains an entry for this variant (Variation ID: 1364412). Algorithms developed to predict the effect of missense changes on protein structure and function are either unavailable or do not agree on the potential impact of this missense change (SIFT: "Not Available"; PolyPhen-2: "Possibly Damaging"; Align-GVGD: "Not Available").

NM_001611.5(ACP5):c.964C>G (p.Arg322Gly)

Gene: ACP5 (acid phosphatase 5, tartrate resistant; minus strand). Cytogenetic location: 19p13.2.
Variant type: single nucleotide variant.
Coding change: c.964C>G on transcript NM_001611.5 (MANE Select); coding-DNA position 964, C replaced by G.
Protein change: p.Arg322Gly; replaces arginine 322 with glycine.
Molecular consequence: missense variant.
Genome position (GRCh38, 1-based): chr19:11,575,024, G>C on the plus strand (C>G on the coding strand, the complement: ACP5 is on the minus strand). VCF-style: chr19-11575024-G-C. GRCh37 (hg19) VCF-style: chr19-11685839-G-C.
Other names: c.964C>G, p.Arg322Gly (NM_001111034.3, NM_001111035.3, NM_001111036.3 and 1 more transcripts); short protein forms R322G.
Identifiers: ClinVar variation 1364412 (VCV001364412.6), dbSNP rs146436811, ClinGen allele CA404144940.